The following is an entry in ClinVar:

ClinVar aggregate classification (germline): Uncertain significance (1 of 4 stars; one submission).

gnomAD v4.1: 82 of 1,614,092 alleles (0.0051%); highest among the groups gnomAD compares: East Asian, 0.0089%; 1 homozygote.

Submission:

Labcorp Genetics (formerly Invitae), Labcorp
Classification: Uncertain significance. Last evaluated: 2025-04-01. Review status: criteria provided, single submitter. Criteria: Invitae Variant Classification Sherloc (09022015). Collection method: clinical testing. Allele origin: germline.
Comment: This sequence change replaces threonine, which is neutral and polar, with methionine, which is neutral and non-polar, at codon 699 of the LAMB1 protein (p.Thr699Met). This variant is present in population databases (rs565604685, gnomAD 0.008%). This variant has not been reported in the literature in individuals affected with LAMB1-related conditions. An algorithm developed to predict the effect of missense changes on protein structure and function (PolyPhen-2) suggests that this variant is likely to be disruptive. In summary, the available evidence is currently insufficient to determine the role of this variant in disease. Therefore, it has been classified as a Variant of Uncertain Significance.

NM_002291.3(LAMB1):c.2096C>T (p.Thr699Met)

Gene: LAMB1 (laminin subunit beta 1; minus strand). Cytogenetic location: 7q31.1.
Variant type: single nucleotide variant.
Coding change: c.2096C>T on transcript NM_002291.3 (MANE Select); coding-DNA position 2096, C replaced by T.
Protein change: p.Thr699Met; replaces threonine 699 with methionine.
Molecular consequence: missense variant.
Genome position (GRCh38, 1-based): chr7:107,961,219, G>A on the plus strand (C>T on the coding strand, the complement: LAMB1 is on the minus strand). VCF-style: chr7-107961219-G-A. GRCh37 (hg19) VCF-style: chr7-107601664-G-A.
Other names: short protein forms T699M.
Identifiers: ClinVar variation 3717268 (VCV003717268.2).